The following is an entry in ClinVar:

ClinVar aggregate classification (germline): Benign/Likely benign. Review status: criteria provided, multiple submitters, no conflicts (2 of 4 stars). 10 submissions from 10 submitters: Benign (5); Likely benign (2). 3 of the submissions do not count toward it. Last evaluated 2026-09-01.

Conditions:
Paget disease of bone 2, early-onset (PDB2). Also called: Paget disease of bone 2. Identifiers: MedGen C4085251, MONDO:0011183, OMIM 602080.
Frontotemporal dementia and/or amyotrophic lateral sclerosis 1 (FTDALS1). Also called: Frontotemporal dementia with motor neuron disease 1; C9orf72 Frontotemporal Dementia and/or Amyotrophic Lateral Sclerosis. Identifiers: Orphanet 275872, MedGen C5779877, MONDO:0007105, OMIM 105550.
Myopathy, distal, with rimmed vacuoles (DMRV). Also called: MULTISYSTEM PROTEINOPATHY 4. Identifiers: MedGen C5399975, MONDO:0014945, OMIM 617158.
Neurodegeneration with ataxia, dystonia, and gaze palsy, childhood-onset (NADGP). Identifiers: MedGen C4310693, MONDO:0014940, OMIM 617145.
Paget disease of bone 3. Identifiers: MedGen C4085252, MONDO:0008176, OMIM 167250.
Frontotemporal dementia and/or amyotrophic lateral sclerosis 3. Also called: FTDALS3. Identifiers: Orphanet 275864, Orphanet 275872, Orphanet 803, MedGen C4225326, MONDO:0014640, OMIM 616437.

Allele frequency attached by ClinVar (database versions not stated): 1000 Genomes Project 30x 0.00297; 1000 Genomes Project 0.00300; TOPMed 0.00344; ESP Exome Variant Server 0.00346; gnomAD 0.00374 and 0.00375; ExAC 0.00435; gnomAD exomes 0.00446.
gnomAD v4.1: 6,576 of 1,614,132 alleles (0.41%); highest among the groups gnomAD compares: Middle Eastern, 0.66%; 25 homozygotes.

Submissions (10):

CeGaT Center for Human Genetics Tuebingen
Classification: Likely benign. Last evaluated: 2026-09-01. Review status: criteria provided, single submitter. Criteria: CeGaT Center For Human Genetics Tuebingen Variant Classification Criteria Version 2. Collection method: clinical testing. Allele origin: germline. Affected: yes. Observed: 41 variant alleles.
Comment: SQSTM1: BP4, BP7, BS2

Labcorp Genetics (formerly Invitae), Labcorp
Classification: Benign for Paget disease of bone 2, early-onset; Frontotemporal dementia and/or amyotrophic lateral sclerosis 1. Last evaluated: 2026-02-02. Review status: criteria provided, single submitter. Criteria: Invitae Variant Classification Sherloc (09022015). Collection method: clinical testing. Allele origin: germline.

Athena Diagnostics
Classification: Benign. Last evaluated: 2025-03-13. Review status: criteria provided, single submitter. Criteria: Athena Diagnostics Criteria. Collection method: clinical testing. Allele origin: unknown.
Comment: The frequency of this variant in the general population is higher than would generally be expected for pathogenic variants in this gene. Computational tools yielded predictions that this variant is unlikely to have an effect on normal RNA splicing. This nucleotide position exhibits low evolutionary conservation.

Fulgent Genetics
Classification: Likely benign for Paget disease of bone 3; Frontotemporal dementia and/or amyotrophic lateral sclerosis 3; Neurodegeneration with ataxia, dystonia, and gaze palsy, childhood-onset; Myopathy, distal, with rimmed vacuoles. Last evaluated: 2021-10-08. Review status: criteria provided, single submitter. Criteria: ACMG Guidelines, 2015. Collection method: clinical testing. Allele origin: unknown.

GeneDx
Classification: Benign. Last evaluated: 2019-04-24. Review status: criteria provided, single submitter. Criteria: GeneDx Variant Classification Process June 2021. Collection method: clinical testing. Allele origin: germline. Affected: yes.
Comment: This variant is associated with the following publications: (PMID: 25796131)

Mayo Clinic Laboratories, Mayo Clinic
Classification: Benign. Last evaluated: 2018-01-04. Review status: criteria provided, single submitter. Criteria: ACMG Guidelines, 2015. Collection method: clinical testing. Allele origin: germline. Observed: 22 variant alleles.

Illumina Laboratory Services, Illumina
Classification: Benign for Paget disease of bone 3. Last evaluated: 2017-04-27. Review status: criteria provided, single submitter. Criteria: ICSL Variant Classification Criteria 13 December 2019. Collection method: clinical testing. Allele origin: germline.
Comment: This variant was observed as part of a predisposition screen in an ostensibly healthy population. A literature search was performed for the gene, cDNA change, and amino acid change (where applicable). No publications were found based on this search. Allele frequency data from public databases was too high to be consistent with this variant causing disease. Therefore, this variant is classified as benign.

Clinical Genetics DNA and cytogenetics Diagnostics Lab, Erasmus MC, Erasmus Medical Center
Classification: Likely benign. Review status: no assertion criteria provided. Collection method: clinical testing. Allele origin: germline. Affected: yes. Study: VKGL Data-share Consensus. Not counted in ClinVar's aggregate classification.

Genome Diagnostics Laboratory, Amsterdam University Medical Center
Classification: Benign. Review status: no assertion criteria provided. Collection method: clinical testing. Allele origin: germline. Affected: yes. Study: VKGL Data-share Consensus. Not counted in ClinVar's aggregate classification.

Genome Diagnostics Laboratory, University Medical Center Utrecht
Classification: Likely benign. Review status: no assertion criteria provided. Collection method: clinical testing. Allele origin: germline. Affected: yes. Study: VKGL Data-share Consensus. Not counted in ClinVar's aggregate classification.

Literature cited by the submitters: PubMed 25796131 (cited by Athena Diagnostics); PubMed 21073987 (cited by Athena Diagnostics); PubMed 25433461 (cited by Athena Diagnostics).

NM_003900.5(SQSTM1):c.984G>A (p.Ser328=)

Gene: SQSTM1 (sequestosome 1; plus strand). Cytogenetic location: 5q35.3.
Variant type: single nucleotide variant.
Coding change: c.984G>A on transcript NM_003900.5 (MANE Select); coding-DNA position 984, G replaced by A.
Protein change: p.Ser328=; no amino-acid change (serine 328 retained).
Molecular consequence: synonymous variant.
Genome position (GRCh38, 1-based): chr5:179,833,601, G>A. VCF-style: chr5-179833601-G-A. GRCh37 (hg19) VCF-style: chr5-179260601-G-A.
Other names: p.Ser328=; c.732G>A, p.Ser244= (NM_001142298.2, NM_001142299.2).
Identifiers: ClinVar variation 475410 (VCV000475410.56), dbSNP rs146164139, ClinGen allele CA3600774.
Genomic context (GRCh38, chr5:179,833,601, plus strand): 5'-CCTGTTGCGCGTGTCTCCTGTGTGCTCATGGTGAGTTTTGTTCCAGGAACAGATGGAGTC[G>A]GATAACTGTTCAGGAGGAGATGATGACTGGACCCATCTGTCTTCAAAAGAAGTGGACCCG-3'
Protein context (NP_003891.1, residues 318-338): SEGRPEEQME[Ser328=]DNCSGGDDDW